The following is an entry in ClinVar:

NM_001375808.2(LPIN2):c.367G>C (p.Val123Leu)

Gene: LPIN2 (lipin 2; minus strand). Cytogenetic location: 18p11.31.
Variant type: single nucleotide variant.
Coding change: c.367G>C on transcript NM_001375808.2 (MANE Select); coding-DNA position 367, G replaced by C.
Protein change: p.Val123Leu; replaces valine 123 with leucine.
Molecular consequence: missense variant.
Genome position (GRCh38, 1-based): chr18:2,951,278, C>G on the plus strand (G>C on the coding strand, the complement: LPIN2 is on the minus strand). VCF-style: chr18-2951278-C-G. GRCh37 (hg19) VCF-style: chr18-2951276-C-G.
Other names: c.367G>C, p.Val123Leu (NM_001375809.1, NM_014646.2); short protein forms V123L.
Identifiers: ClinVar variation 1475930 (VCV001475930.5), dbSNP rs777511827, ClinGen allele CA8873571.
Genomic context (GRCh38, chr18:2,951,278, plus strand): 5'-TTTCCAAGACGTGTGAGATGTCTGAACTCTGAGATGGTGTTTCATCTCCACCCGATTTCA[C>G]CAAAGGGGTGTCAATATCTTTAAAGAACTGATCTTCAGTAGGAATTGGTGAGGTGGCAAG-3'
Protein context (NP_001362737.1, residues 113-133): QFFKDIDTPL[Val123Leu]KSGGDETPSQ

ClinVar aggregate classification (germline): Uncertain significance (1 of 4 stars; one submission).

Conditions:
Majeed syndrome (MJDS). Also called: LPIN2-Related Majeed Syndrome; CHRONIC RECURRENT MULTIFOCAL OSTEOMYELITIS 1, WITH CONGENITAL DYSERYTHROPOIETIC ANEMIA, WITH OR WITHOUT NEUTROPHILIC DERMATOSIS. Identifiers: Orphanet 77297, MedGen C1864997, MONDO:0012316, OMIM 609628.

Allele frequency attached by ClinVar (database versions not stated): gnomAD exomes below 0.00001 and 0.00001; ExAC 0.00001; gnomAD 0.00002.
gnomAD v4.1: 10 of 1,613,866 alleles (0.00062%); highest among the groups gnomAD compares: Admixed American, 0.0017%; no homozygotes.

Submission:

Labcorp Genetics (formerly Invitae), Labcorp
Classification: Uncertain significance for Majeed syndrome. Last evaluated: 2022-01-15. Review status: criteria provided, single submitter. Criteria: Invitae Variant Classification Sherloc (09022015). Collection method: clinical testing. Allele origin: germline.
Comment: This sequence change replaces valine, which is neutral and non-polar, with leucine, which is neutral and non-polar, at codon 123 of the LPIN2 protein (p.Val123Leu). This variant is present in population databases (rs777511827, gnomAD 0.003%). This variant has not been reported in the literature in individuals affected with LPIN2-related conditions. Algorithms developed to predict the effect of missense changes on protein structure and function (SIFT, PolyPhen-2, Align-GVGD) all suggest that this variant is likely to be tolerated. In summary, the available evidence is currently insufficient to determine the role of this variant in disease. Therefore, it has been classified as a Variant of Uncertain Significance.